The following is an entry in ClinVar:

NC_000023.10:g.(?_69080668)_(69177002_?)del

Gene: EDA (ectodysplasin A; plus strand). Cytogenetic location: Xq13.1.
Variant type: Deletion.
Identifiers: ClinVar variation 654113 (VCV000654113.2).

ClinVar aggregate classification (germline): Pathogenic (1 of 4 stars; one submission).

Conditions:
Hypohidrotic X-linked ectodermal dysplasia (XHED). Also called: Anhidrotic ectodermal dysplasia X-linked; Christ Siemens Touraine syndrome; ECTODERMAL DYSPLASIA 1, HYPOHIDROTIC, X-LINKED; Christ-Siemans-Touraine syndrome; ECTODERMAL DYSPLASIA 1; ECTODERMAL DYSPLASIA 1, HYPOHIDROTIC/HAIR/TOOTH TYPE, X-LINKED. Identifiers: Orphanet 181, Orphanet 238468, MedGen C0162359, MONDO:0010585, OMIM 305100.

Submission:

Labcorp Genetics (formerly Invitae), Labcorp
Classification: Pathogenic for Hypohidrotic X-linked ectodermal dysplasia. Last evaluated: 2019-09-07. Review status: criteria provided, single submitter. Criteria: Invitae Variant Classification Sherloc (09022015). Collection method: clinical testing. Allele origin: germline.
Comment: This variant is an out-of-frame deletion of the genomic region encompassing exon 2 of the EDA gene. This is expected to create a premature translational stop signal and result in an absent or disrupted protein product. This variant has been observed in several individuals with ectodermal dysplasia (PMID: 8696334, 27305980, 23293949, Invitae). Loss-of-function variants in EDA are known to be pathogenic (PMID: 9683615). For these reasons, this variant has been classified as Pathogenic.

Literature cited by the submitters: PubMed 8696334; PubMed 27305980; PubMed 23293949.